The following is an entry in ClinVar:

ClinVar aggregate classification (germline): Conflicting classifications of pathogenicity. Review status: criteria provided, conflicting classifications (1 of 4 stars). 2 submissions from 2 submitters: Likely pathogenic (1); Uncertain significance (1). Last evaluated 2023-06-09.

Conditions:
Pseudoachondroplastic spondyloepiphyseal dysplasia syndrome (PSACH). Also called: PSEUDOACHONDROPLASTIC DYSPLASIA; Pseudoachondroplasia; COMP-Related Pseudoachondroplasia. Identifiers: Orphanet 750, MedGen C0410538, MONDO:0008322, OMIM 177170.

Submissions (2):

Labcorp Genetics (formerly Invitae), Labcorp
Classification: Uncertain significance. Last evaluated: 2023-06-09. Review status: criteria provided, single submitter. Criteria: Invitae Variant Classification Sherloc (09022015). Collection method: clinical testing. Allele origin: germline.
Comment: This sequence change replaces aspartic acid, which is acidic and polar, with glycine, which is neutral and non-polar, at codon 317 of the COMP protein (p.Asp317Gly). This variant is not present in population databases (gnomAD no frequency). This missense change has been observed in individuals with COMP-related conditions (PMID: 21922596; Invitae). Advanced modeling of protein sequence and biophysical properties (such as structural, functional, and spatial information, amino acid conservation, physicochemical variation, residue mobility, and thermodynamic stability) performed at Invitae indicates that this missense variant is expected to disrupt COMP protein function. In summary, the available evidence is currently insufficient to determine the role of this variant in disease. Therefore, it has been classified as a Variant of Uncertain Significance.

Kasturba Medical College, Manipal, Kasturba Medical College, Manipal, Manipal Academy of Higher Education, Manipal, India
Classification: Likely pathogenic for Pseudoachondroplastic spondyloepiphyseal dysplasia syndrome. Review status: criteria provided, single submitter. Criteria: ACMG Guidelines, 2015. Collection method: clinical testing. Allele origin: unknown. Inheritance: Autosomal dominant inheritance. Affected: yes. Observed: 1 heterozygote.

Literature cited by the submitters: PubMed 21922596 (cited by Labcorp Genetics (formerly Invitae), Labcorp).

NM_000095.3(COMP):c.950A>G (p.Asp317Gly)

Gene: COMP (cartilage oligomeric matrix protein; minus strand). Cytogenetic location: 19p13.11.
Variant type: single nucleotide variant.
Coding change: c.950A>G on transcript NM_000095.3 (MANE Select); coding-DNA position 950, A replaced by G.
Protein change: p.Asp317Gly; replaces aspartic acid 317 with glycine.
Molecular consequence: missense variant.
Genome position (GRCh38, 1-based): chr19:18,788,237, T>C on the plus strand (A>G on the coding strand, the complement: COMP is on the minus strand). VCF-style: chr19-18788237-T-C. GRCh37 (hg19) VCF-style: chr19-18899046-T-C.
Other names: COMP; short protein forms D317G.
Identifiers: ClinVar variation 2683724 (VCV002683724.5), dbSNP rs1601057057, ClinGen allele CA404890993.